The following is an entry in ClinVar:

ClinVar aggregate classification (germline): Benign. Review status: criteria provided, multiple submitters, no conflicts (2 of 4 stars). 2 submissions from 2 submitters: Benign (2). Last evaluated 2026-01-23.

Conditions:
Primary ciliary dyskinesia 32. Also called: CILIARY DYSKINESIA, PRIMARY, 32, WITHOUT SITUS INVERSUS. Identifiers: Orphanet 244, MedGen C4225311, MONDO:0014657, OMIM 616481.

Allele frequency attached by ClinVar (database versions not stated): gnomAD exomes 0.00173; ExAC 0.00217; gnomAD 0.00643 and 0.00682; ESP Exome Variant Server 0.00684; 1000 Genomes Project 0.00699; TOPMed 0.00700; 1000 Genomes Project 30x 0.00734.

Submissions (2):

Labcorp Genetics (formerly Invitae), Labcorp
Classification: Benign for Primary ciliary dyskinesia 32. Last evaluated: 2026-01-23. Review status: criteria provided, single submitter. Criteria: Invitae Variant Classification Sherloc (09022015). Collection method: clinical testing. Allele origin: germline.

Mayo Clinic Laboratories, Mayo Clinic
Classification: Benign. Last evaluated: 2025-10-18. Review status: criteria provided, single submitter. Criteria: ACMG Guidelines, 2015. Collection method: clinical testing. Allele origin: germline. Observed: 1 variant allele.
Comment: BS1, BS2, BP4, BP7

NM_031924.8(RSPH3):c.141A>G (p.Gly47=)

Gene: RSPH3 (radial spoke head 3; minus strand). Cytogenetic location: 6q25.3.
Variant type: single nucleotide variant.
Coding change: c.141A>G on transcript NM_031924.8 (MANE Select); coding-DNA position 141, A replaced by G.
Protein change: p.Gly47=; no amino-acid change (glycine 47 retained).
Molecular consequence: synonymous variant. On other transcripts: non-coding transcript variant (1).
Genome position (GRCh38, 1-based): chr6:158,993,902, T>C on the plus strand (A>G on the coding strand, the complement: RSPH3 is on the minus strand). VCF-style: chr6-158993902-T-C. GRCh37 (hg19) VCF-style: chr6-159414934-T-C.
Other names: p.Gly189=; c.567A>G (NM_031924.6); c.567A>G, p.Gly189= (NM_001346418.1).
Identifiers: ClinVar variation 475834 (VCV000475834.11), dbSNP rs116017511, ClinGen allele CA4075982.